The following is an entry in ClinVar:

ClinVar aggregate classification (germline): Uncertain significance. Review status: criteria provided, multiple submitters, no conflicts (2 of 4 stars). 2 submissions from 2 submitters: Uncertain significance (2). Last evaluated 2022-12-01.

Allele frequency attached by ClinVar (database versions not stated): gnomAD 0.00001; TOPMed 0.00002; ExAC 0.00006; gnomAD exomes 0.00008.
gnomAD v4.1: 109 of 1,613,426 alleles (0.0068%); highest among the groups gnomAD compares: Non-Finnish European, 0.0091%; no homozygotes.

Submissions (2):

CeGaT Center for Human Genetics Tuebingen
Classification: Uncertain significance. Last evaluated: 2022-12-01. Review status: criteria provided, single submitter. Criteria: CeGaT Center For Human Genetics Tuebingen Variant Classification Criteria Version 2. Collection method: clinical testing. Allele origin: germline. Affected: yes. Observed: 1 variant allele.
Comment: NEB: PM2

Revvity Omics, Revvity
Classification: Uncertain significance. Last evaluated: 2021-03-22. Review status: criteria provided, single submitter. Criteria: ACMG Guidelines, 2015. Collection method: clinical testing. Allele origin: germline.

NM_001164508.2(NEB):c.21584C>T (p.Thr7195Ile)

Genes: NEB (nebulin; minus strand), RIF1 (replication timing regulatory factor 1; plus strand). Cytogenetic location: 2q23.3.
Variant type: single nucleotide variant.
Coding change: c.21584C>T on transcript NM_001164508.2 (MANE Select); coding-DNA position 21584, C replaced by T.
Protein change: p.Thr7195Ile; replaces threonine 7195 with isoleucine.
Molecular consequence: missense variant.
Genome position (GRCh38, 1-based): chr2:151,531,040, G>A on the plus strand (C>T on the coding strand, the complement: NEB is on the minus strand). VCF-style: chr2-151531040-G-A. GRCh37 (hg19) VCF-style: chr2-152387554-G-A.
Other names: c.21584C>T, p.Thr7195Ile (NM_001164507.2); c.21689C>T, p.Thr7230Ile (NM_001271208.2); c.16481C>T, p.Thr5494Ile (NM_004543.5); short protein forms T5494I, T7195I, T7230I.
Identifiers: ClinVar variation 2434247 (VCV002434247.27), dbSNP rs200104698, ClinGen allele CA1906931.
Genomic context (GRCh38, chr2:151,531,040, plus strand): 5'-ATTCTAGTACTTACATCACTGACTTCATCTTTAACCTTGCGGACATGCAGCAACATGGGT[G>A]TGTCGTGGATTGTGGTGTAGCCTCTGGGTTTGGCCTTGTTGTATTCCAATTTATAAAGGA-3'
Protein context (NP_001157980.2, residues 7185-7205): KPRGYTTIHD[Thr7195Ile]PMLLHVRKVK